The following is an entry in ClinVar:

ClinVar aggregate classification (germline): Uncertain significance. Review status: criteria provided, multiple submitters, no conflicts (2 of 4 stars). 4 submissions from 4 submitters: Uncertain significance (2). 2 of the submissions do not count toward it. Last evaluated 2025-06-01.

Conditions:
FAM161A-related disorder. Also called: FAM161A-related condition.
Retinitis pigmentosa 28 (RP28). Identifiers: Orphanet 791, MedGen C1419614, MONDO:0011630, OMIM 606068.

Allele frequency attached by ClinVar (database versions not stated): ExAC 0.00003; gnomAD exomes 0.00005; TOPMed 0.00006; gnomAD 0.00008 and 0.00009; ESP Exome Variant Server 0.00017.
gnomAD v4.1: 222 of 1,611,974 alleles (0.014%); highest among the groups gnomAD compares: Non-Finnish European, 0.018%; no homozygotes.

Submissions (4):

Labcorp Genetics (formerly Invitae), Labcorp
Classification: Uncertain significance. Last evaluated: 2025-06-01. Review status: criteria provided, single submitter. Criteria: Invitae Variant Classification Sherloc (09022015). Collection method: clinical testing. Allele origin: germline.
Comment: This sequence change replaces glutamine, which is neutral and polar, with histidine, which is basic and polar, at codon 556 of the FAM161A protein (p.Gln556His). This variant is present in population databases (rs201109013, gnomAD 0.01%), including at least one homozygous and/or hemizygous individual. This variant has not been reported in the literature in individuals affected with FAM161A-related conditions. ClinVar contains an entry for this variant (Variation ID: 1057134). An algorithm developed to predict the effect of missense changes on protein structure and function (PolyPhen-2) suggests that this variant is likely to be disruptive. In summary, the available evidence is currently insufficient to determine the role of this variant in disease. Therefore, it has been classified as a Variant of Uncertain Significance.

Blueprint Genetics
Classification: Uncertain significance. Last evaluated: 2024-11-25. Review status: criteria provided, single submitter. Criteria: ACMG Guidelines, 2015. Collection method: clinical testing. Allele origin: germline.

PreventionGenetics, part of Exact Sciences
Classification: Uncertain significance for FAM161A-related condition. Last evaluated: 2024-04-05. Review status: no assertion criteria provided. Collection method: clinical testing. Allele origin: germline. Not counted in ClinVar's aggregate classification.
Comment: The FAM161A c.1668G>C variant is predicted to result in the amino acid substitution p.Gln556His. To our knowledge, this variant has not been reported in the literature. This variant is reported in 0.011% of alleles in individuals of European (Non-Finnish) descent in gnomAD, including one homozygote. At this time, the clinical significance of this variant is uncertain due to the absence of conclusive functional and genetic evidence.

Natera, Inc.
Classification: Uncertain significance for Retinitis pigmentosa type 28. Last evaluated: 2020-01-24. Review status: no assertion criteria provided. Collection method: clinical testing. Allele origin: germline. Not counted in ClinVar's aggregate classification.

NM_001201543.2(FAM161A):c.1668G>C (p.Gln556His)

Gene: FAM161A (FAM161 centrosomal protein A; minus strand). Cytogenetic location: 2p15.
Variant type: single nucleotide variant.
Coding change: c.1668G>C on transcript NM_001201543.2 (MANE Select); coding-DNA position 1668, G replaced by C.
Protein change: p.Gln556His; replaces glutamine 556 with histidine.
Molecular consequence: missense variant. On other transcripts: intron variant (1).
Genome position (GRCh38, 1-based): chr2:61,838,621, C>G on the plus strand (G>C on the coding strand, the complement: FAM161A is on the minus strand). VCF-style: chr2-61838621-C-G. GRCh37 (hg19) VCF-style: chr2-62065756-C-G.
Other names: c.1668G>C (NM_001201543.1); c.1583+800G>C (NM_032180.3); short protein forms Q556H.
Identifiers: ClinVar variation 1057134 (VCV001057134.6), dbSNP rs201109013, ClinGen allele CA1679067.